The following is an entry in ClinVar:

ClinVar aggregate classification (germline): Pathogenic (1 of 4 stars; one submission).

Conditions:
Glycogen storage disease, type VI (GSD6). Also called: Glycogen storage disease type 6; Hepatic glycogen phosphorylase deficiency; HERS DISEASE; PHOSPHORYLASE DEFICIENCY GLYCOGEN-STORAGE DISEASE OF LIVER; Glycogen storage disease type 6, due to phosphorylation; GSD VI. Identifiers: Orphanet 369, MedGen C0017925, MONDO:0009294, OMIM 232700.

Submission:

Labcorp Genetics (formerly Invitae), Labcorp
Classification: Pathogenic for Glycogen storage disease, type VI. Last evaluated: 2024-12-16. Review status: criteria provided, single submitter. Criteria: Invitae Variant Classification Sherloc (09022015). Collection method: clinical testing. Allele origin: germline.
Comment: This sequence change creates a premature translational stop signal (p.Cys109Valfs*12) in the PYGL gene. It is expected to result in an absent or disrupted protein product. Loss-of-function variants in PYGL are known to be pathogenic (PMID: 9536091, 21646031). This variant is not present in population databases (gnomAD no frequency). This variant has not been reported in the literature in individuals affected with PYGL-related conditions. For these reasons, this variant has been classified as Pathogenic.

Literature cited by the submitters: PubMed 9536091; PubMed 21646031.

NM_002863.5(PYGL):c.324del (p.Cys109fs)

Gene: PYGL (glycogen phosphorylase L; minus strand). Cytogenetic location: 14q22.1.
Variant type: Deletion.
Coding change: c.324del on transcript NM_002863.5 (MANE Select); coding-DNA position 324, one base deleted (C; older notation c.324delC).
Protein change: p.Cys109fs; shifts the reading frame from cysteine 109.
Molecular consequence: frameshift variant. On other transcripts: intron variant (1).
Genome position (GRCh38, 1-based): chr14:50,937,757, G deleted on the plus strand (C on the coding strand, the reverse complement: PYGL is on the minus strand); the first of 2 consecutive G bases (chr14:50,937,757-50,937,758); deleting either gives the same sequence. VCF-style (leftmost placement, unchanged base first): chr14-50937756-AG-A. GRCh37 (hg19) VCF-style: chr14-51404474-AG-A.
Other names: c.244-2572del (NM_001163940.2); short protein forms C109fs.
Identifiers: ClinVar variation 3727125 (VCV003727125.2).
Genomic context (GRCh38, chr14:50,937,756, plus strand): 5'-TTTAAAGAGACAGGATGAGAGAAATCTAGGAACAATGTACCTGGTAAATGGCCTCATCAC[AG>A]GCATTTTGCAGACCGAGGTTGATCATGGTGTTCTGTAATGTTCGGCCCATGTAAAATTCC-3'